The following is an entry in ClinVar:

NM_003970.4(MYOM2):c.3858T>C (p.Ala1286=)

Gene: MYOM2 (myomesin 2; plus strand). Cytogenetic location: 8p23.3.
Variant type: single nucleotide variant.
Coding change: c.3858T>C on transcript NM_003970.4 (MANE Select); coding-DNA position 3858, T replaced by C.
Protein change: p.Ala1286=; no amino-acid change (alanine 1286 retained).
Molecular consequence: synonymous variant.
Genome position (GRCh38, 1-based): chr8:2,140,780, T>C. VCF-style: chr8-2140780-T-C. GRCh37 (hg19) VCF-style: chr8-2088703-T-C.
Identifiers: ClinVar variation 3039158 (VCV003039158.2), dbSNP rs3736655, ClinGen allele CA170466416.

ClinVar aggregate classification (germline): Benign (0 of 4 stars; one submission).

Conditions:
MYOM2-related disorder. Also called: MYOM2-related condition.

Allele frequency attached by ClinVar (database versions not stated): ESP Exome Variant Server 0.00038; gnomAD exomes 0.00207; gnomAD 0.00472; TOPMed 0.00560; ExAC 0.00676; 1000 Genomes Project 30x 0.01031; 1000 Genomes Project 0.01078.
gnomAD v4.1: 3,854 of 1,613,360 alleles (0.24%); highest among the groups gnomAD compares: East Asian, 3.5%; 60 homozygotes.

Submission:

PreventionGenetics, part of Exact Sciences
Classification: Benign for MYOM2-related condition. Last evaluated: 2019-12-24. Review status: no assertion criteria provided. Collection method: clinical testing. Allele origin: germline.
Comment: This variant is classified as benign based on ACMG/AMP sequence variant interpretation guidelines (Richards et al. 2015 PMID: 25741868, with internal and published modifications).